The following is an entry in ClinVar:

ClinVar aggregate classification (germline): Conflicting classifications of pathogenicity. Review status: criteria provided, conflicting classifications (1 of 4 stars). 4 submissions from 4 submitters: Uncertain significance (1); Likely benign (3). Last evaluated 2026-01-06.

Conditions:
Vesicoureteral reflux 8 (VUR8). Identifiers: Orphanet 289365, MedGen C4014831, MONDO:0014422, OMIM 615963.
Ehlers-Danlos syndrome due to tenascin-X deficiency (EDSCLL1). Also called: TNX DEFICIENCY; TNXB-Related Classical-Like Ehlers-Danlos Syndrome; EHLERS-DANLOS SYNDROME, CLASSIC-LIKE; Ehlers-Danlos syndrome, classic-like, 1; EDS DUE TO TNX DEFICIENCY. Identifiers: Orphanet 230839, MedGen C1848029, MONDO:0011670, OMIM 606408.

Allele frequency attached by ClinVar (database versions not stated): ExAC 0.00010; gnomAD 0.00022 and 0.00023.
gnomAD v4.1: 161 of 1,188,146 alleles (0.014%); highest among the groups gnomAD compares: Admixed American, 0.04%; no homozygotes.

Submissions (4):

Women's Health and Genetics/Laboratory Corporation of America, LabCorp
Classification: Uncertain significance. Last evaluated: 2026-01-06. Review status: criteria provided, single submitter. Criteria: LabCorp Variant Classification Summary - May 2015. Collection method: clinical testing. Allele origin: germline.
Comment: Variant summary: TNXB c.12052+6T>G alters a nucleotide located close to a canonical splice site and therefore could affect mRNA splicing, leading to a significantly altered protein sequence. Consensus agreement among computation tools predict no significant impact on normal splicing. However, these predictions have yet to be confirmed by functional studies. The variant allele was found at a frequency of 0.00017 in 132560 control chromosomes. This frequency is not significantly higher than estimated for disease-causing variants in TNXB, allowing no conclusion about variant significance. To our knowledge, no occurrence of c.12052+6T>G in individuals affected with TNXB-related conditions and no experimental evidence demonstrating its impact on protein function have been reported. ClinVar contains an entry for this variant (Variation ID: 1676014). Based on the evidence outlined above, the variant was classified as uncertain significance.

Mayo Clinic Laboratories, Mayo Clinic
Classification: Likely benign. Last evaluated: 2025-07-24. Review status: criteria provided, single submitter. Criteria: ACMG Guidelines, 2015. Collection method: clinical testing. Allele origin: germline. Observed: 4 variant alleles.
Comment: BP4, BP7

CeGaT Center for Human Genetics Tuebingen
Classification: Likely benign. Last evaluated: 2022-04-01. Review status: criteria provided, single submitter. Criteria: CeGaT Center For Human Genetics Tuebingen Variant Classification Criteria Version 2. Collection method: clinical testing. Allele origin: germline. Affected: yes. Observed: 1 variant allele.
Comment: TNXB: BP4

Fulgent Genetics
Classification: Likely benign for Ehlers-Danlos syndrome due to tenascin-X deficiency; Vesicoureteral reflux 8. Last evaluated: 2022-01-21. Review status: criteria provided, single submitter. Criteria: ACMG Guidelines, 2015. Collection method: clinical testing. Allele origin: unknown.

NM_001365276.2(TNXB):c.12058+6T>G

Genes: TNXB (tenascin XB; minus strand), LOC106780803 (tenascin XB recombination region; plus strand). Cytogenetic location: 6p21.33.
Variant type: single nucleotide variant.
Coding change: c.12058+6T>G on transcript NM_001365276.2 (MANE Select); 6 bases into the intron after coding-DNA position 12058, T replaced by G.
Molecular consequence: intron variant.
Genome position (GRCh38, 1-based): chr6:32,042,693, A>C on the plus strand (T>G on the coding strand, the complement: TNXB is on the minus strand). VCF-style: chr6-32042693-A-C. GRCh37 (hg19) VCF-style: chr6-32010470-A-C.
Other names: p.?; c.12052+6T>G (NM_019105.8); c.1345+6T>G (NM_032470.4).
Identifiers: ClinVar variation 1676014 (VCV001676014.38), dbSNP rs761600175, ClinGen allele CA3732903.